The following is an entry in ClinVar:

NM_001372.4(DNAH9):c.1819G>A (p.Val607Met)

Gene: DNAH9 (dynein axonemal heavy chain 9; plus strand). Cytogenetic location: 17p12.
Variant type: single nucleotide variant.
Coding change: c.1819G>A on transcript NM_001372.4 (MANE Select); coding-DNA position 1819, G replaced by A.
Protein change: p.Val607Met; replaces valine 607 with methionine.
Molecular consequence: missense variant.
Genome position (GRCh38, 1-based): chr17:11,640,302, G>A. VCF-style: chr17-11640302-G-A. GRCh37 (hg19) VCF-style: chr17-11543619-G-A.
Other names: c.1819G>A (NM_001372.3); short protein forms V607M.
Identifiers: ClinVar variation 1392694 (VCV001392694.6), dbSNP rs201021201, ClinGen allele CA8394992.

ClinVar aggregate classification (germline): Uncertain significance. Review status: criteria provided, multiple submitters, no conflicts (2 of 4 stars). 2 submissions from 2 submitters: Uncertain significance (2). Last evaluated 2025-11-05.

Allele frequency attached by ClinVar (database versions not stated): gnomAD exomes 0.00006 and 0.00014; 1000 Genomes Project 30x 0.00016; 1000 Genomes Project 0.00020; gnomAD 0.00013; TOPMed 0.00018; ExAC 0.00009.
gnomAD v4.1: 105 of 1,613,918 alleles (0.0065%); highest among the groups gnomAD compares: South Asian, 0.056%; no homozygotes.

Submissions (2):

GeneDx
Classification: Uncertain significance. Last evaluated: 2025-11-05. Review status: criteria provided, single submitter. Criteria: GeneDx Variant Classification Process June 2021. Collection method: clinical testing. Allele origin: germline.
Comment: In silico analysis suggests that this missense variant does not alter protein structure/function; Has not been previously published as pathogenic or benign to our knowledge

Labcorp Genetics (formerly Invitae), Labcorp
Classification: Uncertain significance. Last evaluated: 2022-05-19. Review status: criteria provided, single submitter. Criteria: Invitae Variant Classification Sherloc (09022015). Collection method: clinical testing. Allele origin: germline.
Comment: This sequence change replaces valine, which is neutral and non-polar, with methionine, which is neutral and non-polar, at codon 607 of the DNAH9 protein (p.Val607Met). This variant is present in population databases (rs201021201, gnomAD 0.06%). This variant has not been reported in the literature in individuals affected with DNAH9-related conditions. Algorithms developed to predict the effect of missense changes on protein structure and function output the following: SIFT: "Tolerated"; PolyPhen-2: "Benign"; Align-GVGD: "Class C0". The methionine amino acid residue is found in multiple mammalian species, which suggests that this missense change does not adversely affect protein function. In summary, the available evidence is currently insufficient to determine the role of this variant in disease. Therefore, it has been classified as a Variant of Uncertain Significance.